The following is an entry in ClinVar:

ClinVar aggregate classification (germline): Conflicting classifications of pathogenicity. Review status: criteria provided, conflicting classifications (1 of 4 stars). 2 submissions from 2 submitters: Uncertain significance (1); Likely benign (1). Last evaluated 2024-01-13.

Conditions:
Inborn genetic diseases. Identifiers: MedGen C0950123, MeSH D030342.

Allele frequency attached by ClinVar (database versions not stated): gnomAD exomes below 0.00001; TOPMed below 0.00001.

Submissions (2):

Ambry Genetics
Classification: Likely benign for Inborn genetic diseases. Last evaluated: 2024-01-13. Review status: criteria provided, single submitter. Criteria: Ambry Variant Classification Scheme 2023. Collection method: clinical testing. Allele origin: germline.

Labcorp Genetics (formerly Invitae), Labcorp
Classification: Uncertain significance. Last evaluated: 2021-02-20. Review status: criteria provided, single submitter. Criteria: Invitae Variant Classification Sherloc (09022015). Collection method: clinical testing. Allele origin: germline.
Comment: In summary, the available evidence is currently insufficient to determine the role of this variant in disease. Therefore, it has been classified as a Variant of Uncertain Significance. Algorithms developed to predict the effect of missense changes on protein structure and function output the following: SIFT: "Tolerated"; PolyPhen-2: "Benign"; Align-GVGD: "Class C0". The valine amino acid residue is found in multiple mammalian species, suggesting that this missense change does not adversely affect protein function. These predictions have not been confirmed by published functional studies and their clinical significance is uncertain. This variant has not been reported in the literature in individuals with ATR-related conditions. This variant is not present in population databases (ExAC no frequency). This sequence change replaces methionine with valine at codon 186 of the ATR protein (p.Met186Val). The methionine residue is weakly conserved and there is a small physicochemical difference between methionine and valine.

NM_001184.4(ATR):c.556A>G (p.Met186Val)

Gene: ATR (ATR checkpoint kinase; minus strand). Cytogenetic location: 3q23.
Variant type: single nucleotide variant.
Coding change: c.556A>G on transcript NM_001184.4 (MANE Select); coding-DNA position 556, A replaced by G.
Protein change: p.Met186Val; replaces methionine 186 with valine.
Molecular consequence: missense variant.
Genome position (GRCh38, 1-based): chr3:142,562,846, T>C on the plus strand (A>G on the coding strand, the complement: ATR is on the minus strand). VCF-style: chr3-142562846-T-C. GRCh37 (hg19) VCF-style: chr3-142281688-T-C.
Other names: c.556A>G, p.Met186Val (NM_001354579.2); c.556A>G (NM_001184.3); short protein forms M186V.
Identifiers: ClinVar variation 1493400 (VCV001493400.9), dbSNP rs1188776082, ClinGen allele CA354826481.
Genomic context (GRCh38, chr3:142,562,846, plus strand): 5'-CAATAAATTCTAAATTTTGCATACTCATCAACTGCAAAGGAGCTGATTGTAAATATCCCA[T>C]GTGTTCATCTAATTGACTTAAAAATCGGCTCATGACCACTGGCCATTCCACAGCATGACC-3'
Protein context (NP_001175.2, residues 176-196): SRFLSQLDEH[Met186Val]GYLQSAPLQL